The following is an entry in ClinVar:

ClinVar aggregate classification (germline): Uncertain significance (1 of 4 stars; one submission).

Conditions:
Spermatogenic failure 18. Identifiers: MedGen C4539783, MONDO:0054615, OMIM 617576.
Ciliary dyskinesia, primary, 37 (CILD37). Also called: CILIARY DYSKINESIA, PRIMARY, 37, WITH OR WITHOUT SITUS INVERSUS. Identifiers: MedGen C4539798, MONDO:0033204, OMIM 617577.

Allele frequency attached by ClinVar (database versions not stated): gnomAD exomes 0.00002; ExAC 0.00003; gnomAD 0.00003; TOPMed 0.00004.
gnomAD v4.1: 43 of 1,612,250 alleles (0.0027%); highest among the groups gnomAD compares: Non-Finnish European, 0.00051%; no homozygotes.

Submission:

Labcorp Genetics (formerly Invitae), Labcorp
Classification: Uncertain significance for Ciliary dyskinesia, primary, 37; Spermatogenic failure 18. Last evaluated: 2025-04-28. Review status: criteria provided, single submitter. Criteria: Invitae Variant Classification Sherloc (09022015). Collection method: clinical testing. Allele origin: germline.
Comment: This sequence change replaces valine, which is neutral and non-polar, with alanine, which is neutral and non-polar, at codon 3636 of the DNAH1 protein (p.Val3636Ala). This variant is present in population databases (rs771730640, gnomAD 0.1%). This variant has not been reported in the literature in individuals affected with DNAH1-related conditions. ClinVar contains an entry for this variant (Variation ID: 2148116). Invitae Evidence Modeling of protein sequence and biophysical properties (such as structural, functional, and spatial information, amino acid conservation, physicochemical variation, residue mobility, and thermodynamic stability) indicates that this missense variant is expected to disrupt DNAH1 protein function with a positive predictive value of 80%. In summary, the available evidence is currently insufficient to determine the role of this variant in disease. Therefore, it has been classified as a Variant of Uncertain Significance.

NM_015512.5(DNAH1):c.10907T>C (p.Val3636Ala)

Gene: DNAH1 (dynein axonemal heavy chain 1; plus strand). Cytogenetic location: 3p21.1.
Variant type: single nucleotide variant.
Coding change: c.10907T>C on transcript NM_015512.5 (MANE Select); coding-DNA position 10907, T replaced by C.
Protein change: p.Val3636Ala; replaces valine 3636 with alanine.
Molecular consequence: missense variant.
Genome position (GRCh38, 1-based): chr3:52,394,998, T>C. VCF-style: chr3-52394998-T-C. GRCh37 (hg19) VCF-style: chr3-52429014-T-C.
Other names: short protein forms V3636A.
Identifiers: ClinVar variation 2148116 (VCV002148116.4), dbSNP rs771730640, ClinGen allele CA2435993.
Genomic context (GRCh38, chr3:52,394,998, plus strand): 5'-ACCAGTACCTAGACCAGTTCCAGAAGCTGCTAGTCCTCCGCTGCCTGCGTGGGGACAAGG[T>C]TACCAACGCCATGCAGGACTTTGTGGCCACCAACCTGGAGCCACGCTTCATTGAACCCCA-3'
Protein context (NP_056327.4, residues 3626-3646): LVLRCLRGDK[Val3636Ala]TNAMQDFVAT